The following is an entry in ClinVar:

ClinVar aggregate classification (germline): Pathogenic (1 of 4 stars; one submission).

Conditions:
MHC class II deficiency 4. Identifiers: MedGen C1859537, MONDO:0971015, OMIM 620817.

Submission:

Department of Medical Immunology, Beni Messous University Hospital Center
Classification: Pathogenic for MHC class II deficiency 4. Last evaluated: 2026-09-10. Review status: criteria provided, single submitter. Criteria: ACMG Guidelines, 2015. Collection method: research. Allele origin: germline. Affected: yes. Observed: 1 variant allele.
Comment: Classified according to ACMG/AMP 2015 criteria PVS1, PM2, and PP4. This frameshift variant is predicted to cause loss of function, an established disease mechanism for RFXAP-related MHC class II deficiency. It is absent from gnomAD v4.1.1 and v2.1.1.

NM_000538.4(RFXAP):c.320dup (p.Ser107fs)

Gene: RFXAP (regulatory factor X associated protein; plus strand). Cytogenetic location: 13q13.3.
Variant type: Duplication.
Coding change: c.320dup on transcript NM_000538.4 (MANE Select); coding-DNA position 320, one base duplicated (G; older notation c.320dupG).
Protein change: p.Ser107fs; shifts the reading frame from serine 107.
Molecular consequence: frameshift variant.
Genome position (GRCh38, 1-based): chr13:36,819,677, G duplicated. VCF-style (leftmost placement, unchanged base first): chr13-36819676-A-AG. GRCh37 (hg19) VCF-style: chr13-37393813-A-AG.
Other names: NM_000538.4(NP_000529.1):p.(Ser107ArgfsTer69); short protein forms S107fs.
Identifiers: ClinVar variation 4890788 (VCV004890788.1).
Genomic context (GRCh38, chr13:36,819,676, plus strand): 5'-GAGGACGAGGCGGACCTGTTAGACACTTCGGACCCTCCGGGGGGAGGCGAGAGCGCGGCT[A>AG]GTTTGGAGGATCTAGAGGACGAGGAGACTCACTCGGGGGGCGAGGGCAGCAGCGGGGGCG-3'